The following is an entry in ClinVar:

ClinVar aggregate classification (germline): Uncertain significance. Review status: criteria provided, multiple submitters, no conflicts (2 of 4 stars). 2 submissions from 2 submitters: Uncertain significance (2). Last evaluated 2025-08-14.

Conditions:
Inborn genetic diseases. Identifiers: MedGen C0950123, MeSH D030342.

Allele frequency attached by ClinVar (database versions not stated): gnomAD 0.00003; ExAC 0.00004; gnomAD exomes 0.00004; TOPMed 0.00004; ESP Exome Variant Server 0.00008.
gnomAD v4.1: 63 of 1,609,382 alleles (0.0039%); highest among the groups gnomAD compares: Admixed American, 0.0067%; no homozygotes.

Submissions (2):

Ambry Genetics
Classification: Uncertain significance for Inborn genetic diseases. Last evaluated: 2025-08-14. Review status: criteria provided, single submitter. Criteria: Ambry Variant Classification Scheme 2023. Collection method: clinical testing. Allele origin: germline.

Labcorp Genetics (formerly Invitae), Labcorp
Classification: Uncertain significance. Last evaluated: 2022-07-19. Review status: criteria provided, single submitter. Criteria: Invitae Variant Classification Sherloc (09022015). Collection method: clinical testing. Allele origin: germline.
Comment: This variant is present in population databases (rs373338648, gnomAD 0.006%). This sequence change replaces arginine, which is basic and polar, with histidine, which is basic and polar, at codon 1927 of the FREM1 protein (p.Arg1927His). In summary, the available evidence is currently insufficient to determine the role of this variant in disease. Therefore, it has been classified as a Variant of Uncertain Significance. Algorithms developed to predict the effect of missense changes on protein structure and function output the following: SIFT: "Tolerated"; PolyPhen-2: "Benign"; Align-GVGD: "Class C0". The histidine amino acid residue is found in multiple mammalian species, which suggests that this missense change does not adversely affect protein function. This variant has not been reported in the literature in individuals affected with FREM1-related conditions.

NM_001379081.2(FREM1):c.5780G>A (p.Arg1927His)

Gene: FREM1 (FRAS1 related extracellular matrix 1; minus strand). Cytogenetic location: 9p22.3.
Variant type: single nucleotide variant.
Coding change: c.5780G>A on transcript NM_001379081.2 (MANE Select); coding-DNA position 5780, G replaced by A.
Protein change: p.Arg1927His; replaces arginine 1927 with histidine.
Molecular consequence: missense variant. On other transcripts: non-coding transcript variant (3).
Genome position (GRCh38, 1-based): chr9:14,748,417, C>T on the plus strand (G>A on the coding strand, the complement: FREM1 is on the minus strand). VCF-style: chr9-14748417-C-T. GRCh37 (hg19) VCF-style: chr9-14748415-C-T.
Other names: c.5780G>A (NM_144966.5); c.1388G>A, p.Arg463His (NM_001177704.3, NM_001370061.2); c.1238G>A, p.Arg413His (NM_001370058.2); c.5780G>A, p.Arg1927His (NM_144966.7); short protein forms R1927H, R463H, R413H.
Identifiers: ClinVar variation 2178004 (VCV002178004.5), dbSNP rs373338648, ClinGen allele CA4989657.